The following is an entry in ClinVar:

ClinVar aggregate classification (germline): Benign. Review status: criteria provided, multiple submitters, no conflicts (2 of 4 stars). 8 submissions from 7 submitters: Benign (7). 1 of the submissions does not count toward it. Last evaluated 2026-01-05.

Conditions:
Hereditary cancer-predisposing syndrome. Also called: Neoplastic Syndromes, Hereditary; Tumor predisposition; Hereditary Cancer Syndrome; Hereditary neoplastic syndrome. Identifiers: Orphanet 140162, MedGen C0027672, MeSH D009386, MONDO:0015356.
Nijmegen breakage syndrome-like disorder (NBSLD). Also called: MICROCEPHALY AND SPONTANEOUS CHROMOSOME INSTABILITY WITHOUT IMMUNODEFICIENCY; NBS-LIKE DISORDER; RAD50 DEFICIENCY. Identifiers: Orphanet 240760, MedGen C2751318, MONDO:0013118, OMIM 613078.
Familial cancer of breast. Also called: BREAST CANCER, FAMILIAL; Hereditary breast cancer; hereditary breast carcinoma. Identifiers: Orphanet 227535, MedGen C0346153, MONDO:0016419, OMIM 114480. Disease mechanism: loss of function.

Allele frequency attached by ClinVar (database versions not stated): gnomAD exomes 0.00077 and 0.00166; ExAC 0.00194; gnomAD 0.00591 and 0.00627; ESP Exome Variant Server 0.00600; TOPMed 0.00652; 1000 Genomes Project 0.00659; 1000 Genomes Project 30x 0.00734.
gnomAD v4.1: 2,033 of 1,577,528 alleles (0.13%); highest among the groups gnomAD compares: African/African-American, 2%; 17 homozygotes.

Submissions (8):

Labcorp Genetics (formerly Invitae), Labcorp
Classification: Benign for Hereditary cancer-predisposing syndrome. Last evaluated: 2026-01-05. Review status: criteria provided, single submitter. Criteria: Invitae Variant Classification Sherloc (09022015). Collection method: clinical testing. Allele origin: germline.

Quest Diagnostics Nichols Institute San Juan Capistrano
Classification: Benign. Last evaluated: 2025-03-21. Review status: criteria provided, single submitter. Criteria: Quest Diagnostics criteria. Collection method: clinical testing. Allele origin: unknown.

KCCC/NGS Laboratory, Kuwait Cancer Control Center
Classification: Benign for Nijmegen breakage syndrome-like disorder. Last evaluated: 2025-02-01. Review status: criteria provided, single submitter. Criteria: ACMG Guidelines, 2015. Collection method: clinical testing. Allele origin: germline. Affected: no.

KCCC/NGS Laboratory, Kuwait Cancer Control Center
Classification: Benign for Familial cancer of breast. Last evaluated: 2023-07-07. Review status: criteria provided, single submitter. Criteria: ACMG Guidelines, 2015. Collection method: clinical testing. Allele origin: germline. Affected: yes.

Women's Health and Genetics/Laboratory Corporation of America, LabCorp
Classification: Benign. Last evaluated: 2018-02-26. Review status: criteria provided, single submitter. Criteria: LabCorp Variant Classification Summary - May 2015. Collection method: clinical testing. Allele origin: germline.
Comment: Variant summary: RAD50 c.3037-3T>C alters a non-conserved nucleotide located close to a canonical splice site and therefore could affect mRNA splicing, leading to a significantly altered protein sequence. 5/5 computational tools predict no significant impact on normal splicing. However, these predictions have yet to be confirmed by functional studies. The variant allele was found at a frequency of 0.0019 in 120906 control chromosomes, predominantly at a frequency of 0.02 within the African or African-American subpopulation in the ExAC database, including 5 homozygotes. The observed variant frequency within African or African-American control individuals in the ExAC database is approximately 319.99 fold of the estimated maximal expected allele frequency for a pathogenic variant in RAD50 causing Hereditary Breast and Ovarian Cancer phenotype (6.3e-05), strongly suggesting that the variant is a benign polymorphism found primarily in populations of African or African-American origin. Two clinical diagnostic laboratories have submitted clinical-significance assessments for this variant to ClinVar after 2014 without evidence for independent evaluation. All laboratories classified the variant as benign. Based on the evidence outlined above, the variant was classified as benign.

GeneDx
Classification: Benign. Last evaluated: 2015-03-03. Review status: criteria provided, single submitter. Criteria: GeneDx Variant Classification Process June 2021. Collection method: clinical testing. Allele origin: germline. Affected: yes.

Ambry Genetics
Classification: Benign for Hereditary cancer-predisposing syndrome. Last evaluated: 2014-12-12. Review status: criteria provided, single submitter. Criteria: Ambry Variant Classification Scheme 2023. Collection method: clinical testing. Allele origin: germline.

Counsyl
Classification: Benign for Nijmegen breakage syndrome-like disorder. Last evaluated: 2016-06-03. Review status: no assertion criteria provided. Collection method: clinical testing. Allele origin: unknown. Not counted in ClinVar's aggregate classification.

Literature cited by the submitters: PubMed 24894818 (cited by Quest Diagnostics Nichols Institute San Juan Capistrano and Women's Health and Genetics/Laboratory Corporation of America, LabCorp).

NM_005732.4(RAD50):c.3037-3T>C

Gene: RAD50 (RAD50 double strand break repair protein; plus strand). Cytogenetic location: 5q31.1.
Variant type: single nucleotide variant.
Coding change: c.3037-3T>C on transcript NM_005732.4 (MANE Select); 3 bases into the intron before coding-DNA position 3037, T replaced by C.
Molecular consequence: intron variant.
Genome position (GRCh38, 1-based): chr5:132,616,000, T>C. VCF-style: chr5-132616000-T-C. GRCh37 (hg19) VCF-style: chr5-131951692-T-C.
Identifiers: ClinVar variation 140911 (VCV000140911.25), dbSNP rs115737081, ClinGen allele CA333170.
Genomic context (GRCh38, chr5:132,616,000, plus strand): 5'-TGTTACAGATTTCATGTTAGTAACTTGGTTATTTTTGTTAACTAATTTAATGTTTACCTT[T>C]AGATACAAGAAAGGTGGCTACAAGATAACCTTACTTTAAGAAAAAGAAATGAGGAACTAA-3'